The following is an entry in ClinVar:

ClinVar aggregate classification (germline): Uncertain significance (1 of 4 stars; one submission).

Conditions:
ABCC2-related disorder. Also called: ABCC2-related condition.

gnomAD v4.1: 9 of 1,614,032 alleles (0.00056%); highest among the groups gnomAD compares: East Asian, 0.02%; no homozygotes.

Submission:

PreventionGenetics, part of Exact Sciences
Classification: Uncertain significance for ABCC2-related condition. Last evaluated: 2025-10-16. Review status: criteria provided, single submitter. Criteria: ACMG Guidelines, 2015. Collection method: clinical testing. Allele origin: germline.
Comment: The ABCC2 c.1784T>G variant is predicted to result in the amino acid substitution p.Met595Arg. To our knowledge, this variant has not been reported in the literature. This variant is reported in 0.045% of alleles in individuals of East Asian descent in gnomAD. At this time, the clinical significance of this variant is uncertain due to the absence of conclusive functional and genetic evidence.

NM_000392.5(ABCC2):c.1784T>G (p.Met595Arg)

Gene: ABCC2 (ATP binding cassette subfamily C member 2; plus strand). Cytogenetic location: 10q24.2.
Variant type: single nucleotide variant.
Coding change: c.1784T>G on transcript NM_000392.5 (MANE Select); coding-DNA position 1784, T replaced by G.
Protein change: p.Met595Arg; replaces methionine 595 with arginine.
Molecular consequence: missense variant.
Genome position (GRCh38, 1-based): chr10:99,808,198, T>G. VCF-style: chr10-99808198-T-G. GRCh37 (hg19) VCF-style: chr10-101567955-T-G.
Other names: short protein forms M595R.
Identifiers: ClinVar variation 4988958 (VCV004988958.1).